The following is an entry in ClinVar:

NM_000548.5(TSC2):c.1668C>T (p.Ser556=)

Gene: TSC2 (TSC complex subunit 2; plus strand). Cytogenetic location: 16p13.3.
Variant type: single nucleotide variant.
Coding change: c.1668C>T on transcript NM_000548.5 (MANE Select); coding-DNA position 1668, C replaced by T.
Protein change: p.Ser556=; no amino-acid change (serine 556 retained).
Molecular consequence: synonymous variant.
Genome position (GRCh38, 1-based): chr16:2,065,587, C>T. VCF-style: chr16-2065587-C-T. GRCh37 (hg19) VCF-style: chr16-2115588-C-T.
Other names: c.1668C>T, p.Ser556= (NM_001077183.3, NM_001114382.3, NM_001363528.2 and 3 more transcripts); c.1557C>T, p.Ser519= (NM_001318827.2); c.1521C>T, p.Ser507= (NM_001318829.2); c.1068C>T, p.Ser356= (NM_001318831.2); c.1701C>T, p.Ser567= (NM_001318832.2); c.1668C>T (NM_000548.3).
Identifiers: ClinVar variation 1541606 (VCV001541606.10), dbSNP rs764091433, ClinGen allele CA032152.

ClinVar aggregate classification (germline): Benign/Likely benign. Review status: criteria provided, multiple submitters, no conflicts (2 of 4 stars). 3 submissions from 3 submitters: Benign (1); Likely benign (2). Last evaluated 2025-05-15.

Conditions:
Tuberous sclerosis 2 (TSC2). Identifiers: Orphanet 805, MedGen C1860707, MONDO:0013199, OMIM 613254.
Hereditary cancer-predisposing syndrome. Also called: Tumor predisposition; Hereditary Cancer Syndrome; Hereditary neoplastic syndrome; Neoplastic Syndromes, Hereditary. Identifiers: Orphanet 140162, MedGen C0027672, MeSH D009386, MONDO:0015356.

Allele frequency attached by ClinVar (database versions not stated): gnomAD exomes below 0.00001; ExAC 0.00001.
gnomAD v4.1: 1 of 1,613,858 alleles (0.000062%); highest among the groups gnomAD compares: Non-Finnish European, 0.000085%; no homozygotes.

Submissions (3):

Myriad Genetics, Inc.
Classification: Benign for Tuberous sclerosis 2. Last evaluated: 2025-05-15. Review status: criteria provided, single submitter. Criteria: Myriad Autosomal Dominant, Autosomal Recessive and X-Linked Classification Criteria (2023). Collection method: clinical testing. Allele origin: unknown.
Comment: This variant is considered benign. This variant is a silent/synonymous amino acid change and it is not expected to impact splicing.

Ambry Genetics
Classification: Likely benign for Hereditary cancer-predisposing syndrome. Last evaluated: 2023-12-22. Review status: criteria provided, single submitter. Criteria: Ambry Variant Classification Scheme 2023. Collection method: clinical testing. Allele origin: germline.

Labcorp Genetics (formerly Invitae), Labcorp
Classification: Likely benign for Tuberous sclerosis 2. Last evaluated: 2021-11-23. Review status: criteria provided, single submitter. Criteria: Invitae Variant Classification Sherloc (09022015). Collection method: clinical testing. Allele origin: germline.